The following is an entry in ClinVar:

NM_138694.4(PKHD1):c.9493G>A (p.Val3165Met)

Gene: PKHD1 (PKHD1 ciliary IPT domain containing fibrocystin/polyductin; minus strand). Cytogenetic location: 6p12.3.
Variant type: single nucleotide variant.
Coding change: c.9493G>A on transcript NM_138694.4 (MANE Select); coding-DNA position 9493, G replaced by A.
Protein change: p.Val3165Met; replaces valine 3165 with methionine.
Molecular consequence: missense variant.
Genome position (GRCh38, 1-based): chr6:51,748,123, C>T on the plus strand (G>A on the coding strand, the complement: PKHD1 is on the minus strand). VCF-style: chr6-51748123-C-T. GRCh37 (hg19) VCF-style: chr6-51612921-C-T.
Other names: c.9493G>A, p.Val3165Met (NM_170724.3); short protein forms V3165M.
Identifiers: ClinVar variation 357417 (VCV000357417.64), dbSNP rs199621305, ClinGen allele CA3851383.
Genomic context (GRCh38, chr6:51,748,123, plus strand): 5'-CATACACTACTGCCAAAAGACCAATAGTATTGTCTACCAGAGTAATGTTCTCTATCTCCA[C>T]GCTGTTCTCTACATGTAACATGGCACCATAGTCAAAGTTCTTGAAAGCCAAGAAGCCAGA-3'
Protein context (NP_619639.3, residues 3155-3175): YGAMLHVENS[Val3165Met]EIENITLVDN

ClinVar aggregate classification (germline): Conflicting classifications of pathogenicity. Review status: criteria provided, conflicting classifications (1 of 4 stars). 7 submissions from 7 submitters: Uncertain significance (4); Benign (1). 2 of the submissions do not count toward it. Last evaluated 2026-01-27.

Conditions:
Autosomal recessive polycystic kidney disease (ARPKD). Also called: AR polycystic kidney disease. Identifiers: Orphanet 731, Orphanet 8378, MedGen C0085548, MeSH D017044, MONDO:0009889.
PKHD1-related disorder. Also called: PKHD1-related condition.

Allele frequency attached by ClinVar (database versions not stated): TOPMed 0.00017; ESP Exome Variant Server 0.00023; ExAC 0.00024; gnomAD 0.00025; gnomAD exomes 0.00026.
gnomAD v4.1: 250 of 1,613,944 alleles (0.015%); highest among the groups gnomAD compares: Middle Eastern, 0.066%; 1 homozygote.

Submissions (7):

Labcorp Genetics (formerly Invitae), Labcorp
Classification: Benign for Autosomal recessive polycystic kidney disease. Last evaluated: 2026-01-27. Review status: criteria provided, single submitter. Criteria: Invitae Variant Classification Sherloc (09022015). Collection method: clinical testing. Allele origin: germline.

GeneDx
Classification: Uncertain significance. Last evaluated: 2022-03-02. Review status: criteria provided, single submitter. Criteria: GeneDx Variant Classification Process June 2021. Collection method: clinical testing. Allele origin: germline. Affected: yes.
Comment: In silico analysis supports that this missense variant does not alter protein structure/function; Has not been previously published as pathogenic or benign to our knowledge

CeGaT Center for Human Genetics Tuebingen
Classification: Uncertain significance. Last evaluated: 2018-06-01. Review status: criteria provided, single submitter. Criteria: CeGaT Center For Human Genetics Tuebingen Variant Classification Criteria Version 2. Collection method: clinical testing. Allele origin: germline. Affected: yes. Observed: 1 variant allele.

Illumina Laboratory Services, Illumina
Classification: Uncertain significance for Polycystic kidney disease 4. Last evaluated: 2018-01-13. Review status: criteria provided, single submitter. Criteria: ICSL Variant Classification Criteria 13 December 2019. Collection method: clinical testing. Allele origin: germline.

Eurofins Ntd Llc (ga)
Classification: Uncertain significance. Last evaluated: 2016-11-23. Review status: criteria provided, single submitter. Criteria: EGL Classification Definitions 2015. Collection method: clinical testing. Allele origin: germline. Observed: 1 variant allele, 1 heterozygote.

PreventionGenetics, part of Exact Sciences
Classification: Likely benign for PKHD1-related condition. Last evaluated: 2023-01-24. Review status: no assertion criteria provided. Collection method: clinical testing. Allele origin: germline. Not counted in ClinVar's aggregate classification.
Comment: This variant is classified as likely benign based on ACMG/AMP sequence variant interpretation guidelines (Richards et al. 2015 PMID: 25741868, with internal and published modifications).

Natera, Inc.
Classification: Benign for Autosomal recessive polycystic kidney disease. Last evaluated: 2020-01-03. Review status: no assertion criteria provided. Collection method: clinical testing. Allele origin: germline. Not counted in ClinVar's aggregate classification.